The following is an entry in ClinVar:

NM_002439.5(MSH3):c.2628A>G (p.Gln876=)

Gene: MSH3 (mutS homolog 3; plus strand). Cytogenetic location: 5q14.1.
Variant type: single nucleotide variant.
Coding change: c.2628A>G on transcript NM_002439.5 (MANE Select); coding-DNA position 2628, A replaced by G.
Protein change: p.Gln876=; no amino-acid change (glutamine 876 retained).
Molecular consequence: synonymous variant.
Genome position (GRCh38, 1-based): chr5:80,792,817, A>G. VCF-style: chr5-80792817-A-G. GRCh37 (hg19) VCF-style: chr5-80088636-A-G.
Identifiers: ClinVar variation 662951 (VCV000662951.14), dbSNP rs762283041, ClinGen allele CA3328306.

ClinVar aggregate classification (germline): Likely benign. Review status: criteria provided, multiple submitters, no conflicts (2 of 4 stars). 3 submissions from 3 submitters: Likely benign (3). Last evaluated 2026-01-28.

Conditions:
Hereditary cancer-predisposing syndrome. Also called: Tumor predisposition; Hereditary neoplastic syndrome; Hereditary Cancer Syndrome; Neoplastic Syndromes, Hereditary. Identifiers: Orphanet 140162, MedGen C0027672, MeSH D009386, MONDO:0015356.
MSH3-related disorder. Also called: MSH3-related condition.

Allele frequency attached by ClinVar (database versions not stated): ExAC 0.00001; gnomAD exomes 0.00001; gnomAD 0.00003.
gnomAD v4.1: 15 of 1,611,668 alleles (0.00093%); highest among the groups gnomAD compares: African/African-American, 0.0067%; no homozygotes.

Submissions (3):

PreventionGenetics, part of Exact Sciences
Classification: Likely benign for MSH3-related condition. Last evaluated: 2026-01-28. Review status: criteria provided, single submitter. Criteria: ACMG Guidelines, 2015. Collection method: clinical testing. Allele origin: germline.
Comment: This variant is classified as likely benign based on ACMG/AMP sequence variant interpretation guidelines (Richards et al. 2015 PMID: 25741868, with internal and published modifications).

Labcorp Genetics (formerly Invitae), Labcorp
Classification: Likely benign. Last evaluated: 2026-01-10. Review status: criteria provided, single submitter. Criteria: Invitae Variant Classification Sherloc (09022015). Collection method: clinical testing. Allele origin: germline.

Ambry Genetics
Classification: Likely benign for Hereditary cancer-predisposing syndrome. Last evaluated: 2019-01-23. Review status: criteria provided, single submitter. Criteria: Ambry Variant Classification Scheme 2023. Collection method: clinical testing. Allele origin: germline.